The following is an entry in ClinVar:

NM_007194.4(CHEK2):c.941del (p.Val314fs)

Gene: CHEK2 (checkpoint kinase 2; minus strand). Cytogenetic location: 22q12.1.
Variant type: Deletion.
Coding change: c.941del on transcript NM_007194.4 (MANE Select); coding-DNA position 941, one base deleted (T; older notation c.941delT).
Protein change: p.Val314fs; shifts the reading frame from valine 314.
Molecular consequence: frameshift variant.
Genome position (GRCh38, 1-based): chr22:28,699,905, A deleted on the plus strand (T on the coding strand, the reverse complement: CHEK2 is on the minus strand). VCF-style (leftmost placement, unchanged base first): chr22-28699904-CA-C. GRCh37 (hg19) VCF-style: chr22-29095892-CA-C.
Other names: c.1070delT, p.Val357Glyfs (NM_001005735.3); c.278delT, p.Val93Glyfs (NM_001257387.3); c.740delT, p.Val247Glyfs (NM_001349956.3); c.941delT, p.Val314Glyfs (NM_145862.3); short protein forms V247fs, V357fs, V93fs, V314fs.
Identifiers: ClinVar variation 803649 (VCV000803649.4), dbSNP rs1601738999, ClinGen allele CA915952856.

ClinVar aggregate classification (germline): Likely pathogenic. Review status: criteria provided, multiple submitters, no conflicts (2 of 4 stars). 2 submissions from 2 submitters: Likely pathogenic (2). Last evaluated 2026-02-27.

Conditions:
Familial cancer of breast. Also called: hereditary breast carcinoma; Hereditary breast cancer; BREAST CANCER, FAMILIAL. Identifiers: Orphanet 227535, MedGen C0346153, MONDO:0016419, OMIM 114480. Disease mechanism: loss of function.

Allele frequency attached by ClinVar (database versions not stated): TOPMed below 0.00001.

Submissions (2):

Dasa
Classification: Likely pathogenic. Last evaluated: 2026-02-27. Review status: criteria provided, single submitter. Criteria: DASA Assertion Criteria. Collection method: clinical testing. Allele origin: germline.
Comment: NM_007194.4(CHEK2):c.941del (p.Val314Glyfs*6) is a frameshift variant in CHEK2 predicted to alter the reading frame and introduce a premature termination codon and is predicted to result in an absent or altered protein product. Loss of function is an established disease mechanism for CHEK2 (PMID: 15122511; PMID: 16897426; PMID: 18381420). Also, this variant is absent from population databases. Based on the currently available evidence, this variant is classified as likely pathogenic.

Mendelics
Classification: Likely pathogenic for Familial cancer of breast. Last evaluated: 2019-05-28. Review status: criteria provided, single submitter. Criteria: Mendelics Assertion Criteria 2017. Collection method: clinical testing. Allele origin: unknown.

Literature cited by the submitters: PubMed 15122511 (cited by Dasa); PubMed 16897426 (cited by Dasa); PubMed 18381420 (cited by Dasa).